The following is an entry in ClinVar:

ClinVar aggregate classification (germline): Uncertain significance (1 of 4 stars; one submission).

Conditions:
INPP5E-related disorder. Also called: INPP5E-related condition.

Submission:

PreventionGenetics, part of Exact Sciences
Classification: Uncertain significance for INPP5E-related condition. Last evaluated: 2024-12-31. Review status: criteria provided, single submitter. Criteria: ACMG Guidelines, 2015. Collection method: clinical testing. Allele origin: germline.
Comment: The INPP5E c.980C>T variant is predicted to result in the amino acid substitution p.Ala327Val. To our knowledge, this variant has not been reported in the literature or in a large population database (gnomAD), indicating this variant is rare. At this time, the clinical significance of this variant is uncertain due to the absence of conclusive functional and genetic evidence.

NM_019892.6(INPP5E):c.980C>T (p.Ala327Val)

Gene: INPP5E (inositol polyphosphate-5-phosphatase E; minus strand). Cytogenetic location: 9q34.3.
Variant type: single nucleotide variant.
Coding change: c.980C>T on transcript NM_019892.6 (MANE Select); coding-DNA position 980, C replaced by T.
Protein change: p.Ala327Val; replaces alanine 327 with valine.
Molecular consequence: missense variant.
Genome position (GRCh38, 1-based): chr9:136,434,091, G>A on the plus strand (C>T on the coding strand, the complement: INPP5E is on the minus strand). VCF-style: chr9-136434091-G-A. GRCh37 (hg19) VCF-style: chr9-139328543-G-A.
Other names: c.980C>T, p.Ala327Val (NM_001318502.2); short protein forms A327V.
Identifiers: ClinVar variation 4981746 (VCV004981746.1).
Genomic context (GRCh38, chr9:136,434,091, plus strand): 5'-CCCTACCTGTCAGAACAGCCCTCCTGGACCCCGATGACATACAGGTCCTGGGCATAGTCG[G>A]CCTCGGCTGGGAGCAGGAACTCGTCCAGGCTGGGCGGGAGCTCCTGGAAGGAGGGAGCAT-3'
Protein context (NP_063945.2, residues 317-337): SLDEFLLPAE[Ala327Val]DYAQDLYVIG